The following is an entry in ClinVar:

ClinVar aggregate classification (germline): Pathogenic/Likely pathogenic. Review status: criteria provided, multiple submitters, no conflicts (2 of 4 stars). 3 submissions from 3 submitters: Pathogenic (2); Likely pathogenic (1). Last evaluated 2024-03-15.

Conditions:
DICER1-related tumor predisposition. Also called: DICER1 syndrome; DICER1-related pleuropulmonary blastoma cancer predisposition syndrome. Identifiers: Orphanet 284343, MedGen C3839822, MONDO:0100216.
Hereditary cancer-predisposing syndrome. Also called: Neoplastic Syndromes, Hereditary; Tumor predisposition; Hereditary Cancer Syndrome; Hereditary neoplastic syndrome. Identifiers: Orphanet 140162, MedGen C0027672, MeSH D009386, MONDO:0015356.

Submissions (3):

Ambry Genetics
Classification: Pathogenic for Hereditary cancer-predisposing syndrome. Last evaluated: 2024-03-15. Review status: criteria provided, single submitter. Criteria: Ambry Variant Classification Scheme 2023. Collection method: clinical testing. Allele origin: germline.
Comment: The c.3353dupA pathogenic mutation, located in coding exon 20 of the DICER1 gene, results from a duplication of A at nucleotide position 3353, causing a translational frameshift with a predicted alternate stop codon (p.N1118Kfs*2). This variant is considered to be rare based on population cohorts in the Genome Aggregation Database (gnomAD). This alteration is expected to result in loss of function by premature protein truncation or nonsense-mediated mRNA decay. As such, this alteration is interpreted as a disease-causing mutation.

Labcorp Genetics (formerly Invitae), Labcorp
Classification: Pathogenic for DICER1-related tumor predisposition. Last evaluated: 2023-12-11. Review status: criteria provided, single submitter. Criteria: Invitae Variant Classification Sherloc (09022015). Collection method: clinical testing. Allele origin: germline.
Comment: This sequence change creates a premature translational stop signal (p.Asn1118Lysfs*2) in the DICER1 gene. It is expected to result in an absent or disrupted protein product. Loss-of-function variants in DICER1 are known to be pathogenic (PMID: 19556464, 21266384). This variant is not present in population databases (gnomAD no frequency). This variant has not been reported in the literature in individuals affected with DICER1-related conditions. ClinVar contains an entry for this variant (Variation ID: 1730531). Algorithms developed to predict the effect of sequence changes on RNA splicing suggest that this variant may disrupt the consensus splice site. For these reasons, this variant has been classified as Pathogenic.

Institute for Genomic Medicine (IGM) Clinical Laboratory, Nationwide Children's Hospital
Classification: Likely pathogenic for DICER1-related tumor predisposition. Last evaluated: 2023-05-28. Review status: criteria provided, single submitter. Criteria: ACMG Guidelines, 2015. Collection method: clinical testing. Allele origin: germline.
Comment: This variant is predicted to result in loss of function through nonsense-mediated decay of the encoded transcript or premature truncation of the encoded protein in a gene in which loss of function is a known mechanism of disease (ACMG/AMP: PVS1; PMIDs:19556464, 21266384, 25022261, 28960912). This variant is absent from or present at an exceedingly low frequency in gnomAD, a large-scale control population database (ACMG/AMP: PM2).

Literature cited by the submitters: PubMed 19556464 (cited by Labcorp Genetics (formerly Invitae), Labcorp and Institute for Genomic Medicine (IGM) Clinical Laboratory, Nationwide Children's Hospital); PubMed 21266384 (cited by Labcorp Genetics (formerly Invitae), Labcorp and Institute for Genomic Medicine (IGM) Clinical Laboratory, Nationwide Children's Hospital); PubMed 25022261 (cited by Institute for Genomic Medicine (IGM) Clinical Laboratory, Nationwide Children's Hospital); PubMed 28960912 (cited by Institute for Genomic Medicine (IGM) Clinical Laboratory, Nationwide Children's Hospital).

NM_177438.3(DICER1):c.3353dup (p.Asn1118fs)

Gene: DICER1 (dicer 1, ribonuclease III; minus strand). Cytogenetic location: 14q32.13.
Variant type: Duplication.
Coding change: c.3353dup on transcript NM_177438.3 (MANE Select); coding-DNA position 3353, one base duplicated (A; older notation c.3353dupA).
Protein change: p.Asn1118fs; shifts the reading frame from asparagine 1118.
Molecular consequence: frameshift variant. On other transcripts: non-coding transcript variant (6).
Genome position (GRCh38, 1-based): chr14:95,104,043, T duplicated on the plus strand (A on the coding strand, the reverse complement: DICER1 is on the minus strand); the first of 4 consecutive T bases (chr14:95,104,043-95,104,046); duplicating any one gives the same sequence. VCF-style (leftmost placement, unchanged base first): chr14-95104042-A-AT. GRCh37 (hg19) VCF-style: chr14-95570379-A-AT.
Other names: c.3353dup, p.Asn1118fs (NM_001195573.1, NM_001271282.3, NM_001291628.2 and 12 more transcripts); c.3350dup, p.Asn1118Lysfs (NM_001395681.1); c.3071dup, p.Asn1024fs (NM_001395686.1); c.2948dup, p.Asn983fs (NM_001395687.1, NM_001395688.1, NM_001395689.1 and 2 more transcripts); c.2786dup, p.Asn929fs (NM_001395691.1); c.1670dup, p.Asn557fs (NM_001395697.1); c.3353dupA (NM_177438.2); short protein forms N557fs, N929fs, N983fs, N1024fs, N1118fs.
Identifiers: ClinVar variation 1730531 (VCV001730531.6), dbSNP rs2542719254, ClinGen allele CA2580089009.